The following is an entry in ClinVar:

ClinVar aggregate classification (germline): Likely pathogenic (1 of 4 stars; one submission).

Conditions:
Intellectual developmental disorder with seizures and language delay (IDDSELD). Identifiers: MedGen C5436574, MONDO:0033559, OMIM 619000.

Submission:

Laboratorio de Genetica e Diagnostico Molecular, Hospital Israelita Albert Einstein
Classification: Likely pathogenic for Intellectual developmental disorder with seizures and language delay. Last evaluated: 2022-12-11. Review status: criteria provided, single submitter. Criteria: ACMG Guidelines, 2015. Collection method: clinical testing. Allele origin: germline. Affected: yes. Observed: 1 variant allele.
Comment: ACMG classification criteria: PVS1 strong, PM2 moderated

NM_001353345.2(SETD1B):c.5796_5797dup (p.Ile1933fs)

Gene: SETD1B (SET domain containing 1B, histone lysine methyltransferase; plus strand). Cytogenetic location: 12q24.31.
Variant type: Microsatellite.
Coding change: c.5796_5797dup on transcript NM_001353345.2 (MANE Select); coding-DNA positions 5796 to 5797, 2 bases duplicated (CA; older notation c.5796_5797dupCA).
Protein change: p.Ile1933fs; shifts the reading frame from isoleucine 1933.
Molecular consequence: frameshift variant.
Genome position (GRCh38, 1-based): chr12:121,830,134-121,830,135, CA duplicated; duplicating any 2 consecutive bases within chr12:121,830,132-121,830,135 gives the same sequence; the c. name uses the placement nearest the transcript's 3' end. VCF-style (leftmost placement, unchanged base first): chr12-121830131-G-GCA. GRCh37 (hg19) VCF-style: chr12-122268037-G-GCA.
Other names: short protein forms I1933fs.
Identifiers: ClinVar variation 2431532 (VCV002431532.1), dbSNP rs2500260535, ClinGen allele CA2580614591.